The following is an entry in ClinVar:

ClinVar aggregate classification (germline): Benign/Likely benign. Review status: criteria provided, multiple submitters, no conflicts (2 of 4 stars). 3 submissions from 3 submitters: Benign (1); Likely benign (2). Last evaluated 2025-10-07.

Conditions:
Hereditary cancer-predisposing syndrome. Also called: Neoplastic Syndromes, Hereditary; Hereditary Cancer Syndrome; Hereditary neoplastic syndrome; Tumor predisposition. Identifiers: Orphanet 140162, MedGen C0027672, MeSH D009386, MONDO:0015356.
Tuberous sclerosis 2 (TSC2). Identifiers: Orphanet 805, MedGen C1860707, MONDO:0013199, OMIM 613254.

Submissions (3):

Labcorp Genetics (formerly Invitae), Labcorp
Classification: Likely benign for Tuberous sclerosis 2. Last evaluated: 2025-10-07. Review status: criteria provided, single submitter. Criteria: Invitae Variant Classification Sherloc (09022015). Collection method: clinical testing. Allele origin: germline.

Myriad Genetics, Inc.
Classification: Benign for Tuberous sclerosis 2. Last evaluated: 2025-05-08. Review status: criteria provided, single submitter. Criteria: Myriad Autosomal Dominant, Autosomal Recessive and X-Linked Classification Criteria (2023). Collection method: clinical testing. Allele origin: unknown.
Comment: This variant is considered benign. This variant is a silent/synonymous amino acid change and it is not expected to impact splicing.

Ambry Genetics
Classification: Likely benign for Hereditary cancer-predisposing syndrome. Last evaluated: 2023-04-30. Review status: criteria provided, single submitter. Criteria: Ambry Variant Classification Scheme 2023. Collection method: clinical testing. Allele origin: germline.

NM_000548.5(TSC2):c.622C>A (p.Arg208=)

Gene: TSC2 (TSC complex subunit 2; plus strand). Cytogenetic location: 16p13.3.
Variant type: single nucleotide variant.
Coding change: c.622C>A on transcript NM_000548.5 (MANE Select); coding-DNA position 622, C replaced by A.
Protein change: p.Arg208=; no amino-acid change (arginine 208 retained).
Molecular consequence: synonymous variant.
Genome position (GRCh38, 1-based): chr16:2,056,218, C>A. VCF-style: chr16-2056218-C-A. GRCh37 (hg19) VCF-style: chr16-2106219-C-A.
Other names: c.622C>A, p.Arg208= (NM_001077183.3, NM_001114382.3, NM_001363528.2 and 3 more transcripts); c.511C>A, p.Arg171= (NM_001318827.2); c.475C>A, p.Arg159= (NM_001318829.2); c.22C>A, p.Arg8= (NM_001318831.2); c.655C>A, p.Arg219= (NM_001318832.2).
Identifiers: ClinVar variation 847475 (VCV000847475.12), dbSNP rs374410454, ClinGen allele CA492956324.